The following is an entry in ClinVar:

NM_025114.4(CEP290):c.628A>T (p.Lys210Ter)

Gene: CEP290 (centrosomal protein 290; minus strand). Cytogenetic location: 12q21.32.
Variant type: single nucleotide variant.
Coding change: c.628A>T on transcript NM_025114.4 (MANE Select); coding-DNA position 628, A replaced by T.
Protein change: p.Lys210Ter; replaces lysine 210 with a stop codon.
Molecular consequence: nonsense.
Genome position (GRCh38, 1-based): chr12:88,130,309, T>A on the plus strand (A>T on the coding strand, the complement: CEP290 is on the minus strand). VCF-style: chr12-88130309-T-A. GRCh37 (hg19) VCF-style: chr12-88524086-T-A.
Other names: short protein forms K210*.
Identifiers: ClinVar variation 806920 (VCV000806920.43), dbSNP rs763473957, ClinGen allele CA6712724.
Genomic context (GRCh38, chr12:88,130,309, plus strand): 5'-TGACTTCTAGCCATTTTACCTGAATTTCATCAAGATATTGGATAAGCTCATAGTTTTTTT[T>A]AGACAACTGTGATCGGTAGTCACTGTCTTCCCCTCTTCTTGATAAAAGTGTTTCTTTCTG-3'

ClinVar aggregate classification (germline): Pathogenic/Likely pathogenic. Review status: criteria provided, multiple submitters, no conflicts (2 of 4 stars). 3 submissions from 3 submitters: Pathogenic (1); Likely pathogenic (2). Last evaluated 2024-02-19.

Conditions:
Meckel syndrome, type 4 (MKS4). Also called: MECKEL-GRUBER SYNDROME, TYPE 4. Identifiers: Orphanet 564, MedGen C1970161, MONDO:0012626, OMIM 611134.
Bardet-Biedl syndrome 14 (BBS14). Identifiers: Orphanet 110, MedGen C2673874, MONDO:0014442, OMIM 615991.

Allele frequency attached by ClinVar (database versions not stated): gnomAD exomes below 0.00001.

Submissions (3):

Baylor Genetics
Classification: Likely pathogenic for Bardet-Biedl syndrome 14. Last evaluated: 2024-02-19. Review status: criteria provided, single submitter. Criteria: ACMG Guidelines, 2015. Collection method: clinical testing. Allele origin: unknown.

Laboratory of Medical Genetics, National & Kapodistrian University of Athens
Classification: Pathogenic for Meckel syndrome, type 4. Last evaluated: 2021-10-08. Review status: criteria provided, single submitter. Criteria: ACMG Guidelines, 2015. Collection method: clinical testing. Allele origin: germline. Affected: yes.
Comment: PVS1, PM2, PP3, PP4, PP5

CeGaT Center for Human Genetics Tuebingen
Classification: Likely pathogenic. Last evaluated: 2016-12-01. Review status: criteria provided, single submitter. Criteria: CeGaT Center For Human Genetics Tuebingen Variant Classification Criteria Version 2. Collection method: clinical testing. Allele origin: germline. Affected: yes. Observed: 1 variant allele.